The following is an entry in ClinVar:

NM_022489.4(INF2):c.281A>G (p.Asp94Gly)

Gene: INF2 (inverted formin 2; plus strand). Cytogenetic location: 14q32.33.
Variant type: single nucleotide variant.
Coding change: c.281A>G on transcript NM_022489.4 (MANE Select); coding-DNA position 281, A replaced by G.
Protein change: p.Asp94Gly; replaces aspartic acid 94 with glycine.
Molecular consequence: missense variant.
Genome position (GRCh38, 1-based): chr14:104,701,646, A>G. VCF-style: chr14-104701646-A-G. GRCh37 (hg19) VCF-style: chr14-105167983-A-G.
Other names: c.281A>G, p.Asp94Gly (NM_001031714.4, NM_032714.3); short protein forms D94G.
Identifiers: ClinVar variation 1035177 (VCV001035177.9), dbSNP rs1889506126, ClinGen allele CA391225745.

ClinVar aggregate classification (germline): Uncertain significance (1 of 4 stars; one submission).

Conditions:
Focal segmental glomerulosclerosis 5 (FSGS5). Identifiers: Orphanet 656, MedGen C2750475, MONDO:0013191, OMIM 613237.
Charcot-Marie-Tooth disease dominant intermediate E. Also called: CHARCOT-MARIE-TOOTH NEUROPATHY WITH FOCAL SEGMENTAL GLOMERULONEPHRITIS. Identifiers: Orphanet 93114, MedGen C4302667, MONDO:0013758, OMIM 614455.

Submission:

Labcorp Genetics (formerly Invitae), Labcorp
Classification: Uncertain significance for Charcot-Marie-Tooth disease dominant intermediate E; Focal segmental glomerulosclerosis 5. Last evaluated: 2021-02-24. Review status: criteria provided, single submitter. Criteria: Invitae Variant Classification Sherloc (09022015). Collection method: clinical testing. Allele origin: germline.
Comment: This sequence change replaces aspartic acid with glycine at codon 94 of the INF2 protein (p.Asp94Gly). The aspartic acid residue is highly conserved and there is a moderate physicochemical difference between aspartic acid and glycine. This variant is not present in population databases (ExAC no frequency). This variant has not been reported in the literature in individuals with INF2-related conditions. Algorithms developed to predict the effect of missense changes on protein structure and function are either unavailable or do not agree on the potential impact of this missense change (SIFT: "Tolerated"; PolyPhen-2: "Probably Damaging"; Align-GVGD: "Class C0"). In summary, the available evidence is currently insufficient to determine the role of this variant in disease. Therefore, it has been classified as a Variant of Uncertain Significance.